The following is an entry in ClinVar:

ClinVar aggregate classification (germline): Uncertain significance (1 of 4 stars; one submission).

Conditions:
Neurodevelopmental disorder with or without anomalies of the brain, eye, or heart (NEDBEH). Identifiers: Orphanet 494344, MedGen C5567477, MONDO:0014857, OMIM 616975.

Allele frequency attached by ClinVar (database versions not stated): TOPMed 0.00002; gnomAD exomes 0.00002; gnomAD 0.00004.
gnomAD v4.1: 79 of 1,439,614 alleles (0.0055%); highest among the groups gnomAD compares: Non-Finnish European, 0.0069%; no homozygotes.

Submission:

Centre for Mendelian Genomics, University Medical Centre Ljubljana
Classification: Uncertain significance for Neurodevelopmental disorder with or without anomalies of the brain, eye, or heart. Last evaluated: 2019-04-23. Review status: criteria provided, single submitter. Criteria: ACMG Guidelines, 2015. Collection method: clinical testing. Allele origin: unknown. Affected: yes.
Comment: This variant was classified as: Uncertain significance. The available evidence on this variant's pathogenicity is insufficient or conflicting. The following ACMG criteria were applied in classifying this variant: No criteria apply.

NM_001042681.2(RERE):c.2422C>A (p.Pro808Thr)

Gene: RERE (arginine-glutamic acid dipeptide repeats; minus strand). Cytogenetic location: 1p36.23.
Variant type: single nucleotide variant.
Coding change: c.2422C>A on transcript NM_001042681.2 (MANE Select); coding-DNA position 2422, C replaced by A.
Protein change: p.Pro808Thr; replaces proline 808 with threonine.
Molecular consequence: missense variant.
Genome position (GRCh38, 1-based): chr1:8,361,085, G>T on the plus strand (C>A on the coding strand, the complement: RERE is on the minus strand). VCF-style: chr1-8361085-G-T. GRCh37 (hg19) VCF-style: chr1-8421145-G-T.
Other names: c.760C>A, p.Pro254Thr (NM_001042682.2); c.2422C>A, p.Pro808Thr (NM_012102.4); short protein forms P254T, P808T.
Identifiers: ClinVar variation 932086 (VCV000932086.3), dbSNP rs957128425, ClinGen allele CA17696120.